The following is an entry in ClinVar:

ClinVar aggregate classification (germline): Uncertain significance (1 of 4 stars; one submission).

Conditions:
Multiple endocrine neoplasia, type 2 (MEN2). Identifiers: Orphanet 653, MedGen C4048306, MONDO:0019003. Disease mechanism: gain of function.

Submission:

Labcorp Genetics (formerly Invitae), Labcorp
Classification: Uncertain significance for Multiple endocrine neoplasia, type 2. Last evaluated: 2020-08-20. Review status: criteria provided, single submitter. Criteria: Invitae Variant Classification Sherloc (09022015). Collection method: clinical testing. Allele origin: germline.
Comment: This sequence change replaces lysine with asparagine at codon 1060 of the RET protein (p.Lys1060Asn). The lysine residue is highly conserved and there is a moderate physicochemical difference between lysine and asparagine. This variant is not present in population databases (ExAC no frequency). This variant has not been reported in the literature in individuals with RET-related conditions. Algorithms developed to predict the effect of missense changes on protein structure and function are either unavailable or do not agree on the potential impact of this missense change (SIFT: "Deleterious"; PolyPhen-2: "Benign"; Align-GVGD: "Class C0"). In summary, the available evidence is currently insufficient to determine the role of this variant in disease. Therefore, it has been classified as a Variant of Uncertain Significance.

NM_020975.6(RET):c.3180A>T (p.Lys1060Asn)

Gene: RET (ret proto-oncogene; plus strand). Cytogenetic location: 10q11.21.
Variant type: single nucleotide variant.
Coding change: c.3180A>T on transcript NM_020975.6 (MANE Select); coding-DNA position 3180, A replaced by T.
Protein change: p.Lys1060Asn; replaces lysine 1060 with asparagine.
Molecular consequence: missense variant.
Genome position (GRCh38, 1-based): chr10:43,126,715, A>T. VCF-style: chr10-43126715-A-T. GRCh37 (hg19) VCF-style: chr10-43622163-A-T.
Other names: c.3180A>T, p.Lys1060Asn (NM_000323.2, NM_001406743.1, NM_001406744.1 and 2 more transcripts); c.2418A>T, p.Lys806Asn (NM_001355216.2); c.3051A>T, p.Lys1017Asn (NM_001406761.1, NM_001406762.1, NM_001406764.1); c.3045A>T, p.Lys1015Asn (NM_001406763.1, NM_001406765.1); c.2892A>T, p.Lys964Asn (NM_001406766.1, NM_001406767.1, NM_001406770.1); c.2916A>T, p.Lys972Asn (NM_001406768.1); c.2784A>T, p.Lys928Asn (NM_001406769.1, NM_001406772.1); c.2742A>T, p.Lys914Asn (NM_001406771.1, NM_001406773.1); and 10 more; short protein forms K806N, K1060N, K1017N, K718N, K730N, K914N, K1015N, K885N.
Identifiers: ClinVar variation 1041498 (VCV001041498.9), dbSNP rs1361161086, ClinGen allele CA376558548.